The following is an entry in ClinVar:

NM_005236.3(ERCC4):c.2604C>T (p.His868=)

Gene: ERCC4 (ERCC excision repair 4, endonuclease catalytic subunit; plus strand). Cytogenetic location: 16p13.12.
Variant type: single nucleotide variant.
Coding change: c.2604C>T on transcript NM_005236.3 (MANE Select); coding-DNA position 2604, C replaced by T.
Protein change: p.His868=; no amino-acid change (histidine 868 retained).
Molecular consequence: synonymous variant.
Genome position (GRCh38, 1-based): chr16:13,948,200, C>T. VCF-style: chr16-13948200-C-T. GRCh37 (hg19) VCF-style: chr16-14042057-C-T.
Identifiers: ClinVar variation 1175885 (VCV001175885.41), dbSNP rs370809250, ClinGen allele CA7910777.

ClinVar aggregate classification (germline): Likely benign. Review status: criteria provided, multiple submitters, no conflicts (2 of 4 stars). 3 submissions from 3 submitters: Likely benign (3). Last evaluated 2025-12-27.

Conditions:
Cockayne syndrome. Identifiers: Orphanet 191, MedGen C0009207, MONDO:0016006.
Xeroderma pigmentosum, group F (XPF). Also called: ERCC4-Related Xeroderma Pigmentosum; XERODERMA PIGMENTOSUM, TYPE F; Xeroderma pigmentosum, type 6; XERODERMA PIGMENTOSUM VI; XP, GROUP F; XERODERMA PIGMENTOSUM, COMPLEMENTATION GROUP F. Identifiers: MedGen C0268140, MONDO:0010215, OMIM 278760.
Fanconi anemia complementation group Q. Identifiers: Orphanet 84, MedGen C3808988, MONDO:0014108, OMIM 615272.

Allele frequency attached by ClinVar (database versions not stated): ExAC 0.00002; gnomAD 0.00002; gnomAD exomes 0.00002 and 0.00006; TOPMed 0.00002; ESP Exome Variant Server 0.00008.
gnomAD v4.1: 91 of 1,614,056 alleles (0.0056%); highest among the groups gnomAD compares: Non-Finnish European, 0.0075%; no homozygotes.

Submissions (3):

Labcorp Genetics (formerly Invitae), Labcorp
Classification: Likely benign for Fanconi anemia complementation group Q; Xeroderma pigmentosum, group F; Cockayne syndrome. Last evaluated: 2025-12-27. Review status: criteria provided, single submitter. Criteria: Invitae Variant Classification Sherloc (09022015). Collection method: clinical testing. Allele origin: germline.

CeGaT Center for Human Genetics Tuebingen
Classification: Likely benign. Last evaluated: 2025-11-01. Review status: criteria provided, single submitter. Criteria: CeGaT Center For Human Genetics Tuebingen Variant Classification Criteria Version 2. Collection method: clinical testing. Allele origin: germline. Affected: yes. Observed: 3 variant alleles.
Comment: ERCC4: BP4, BP7

Blueprint Genetics
Classification: Likely benign. Last evaluated: 2024-10-23. Review status: criteria provided, single submitter. Criteria: ACMG Guidelines, 2015. Collection method: clinical testing. Allele origin: germline.